The following is an entry in ClinVar:

ClinVar aggregate classification (germline): Uncertain significance (1 of 4 stars; one submission).

Conditions:
Hyperphosphatasia with impaired intellectual development syndrome 2. Also called: Hyperphosphatasia with intellectual disability syndrome 2; GLYCOSYLPHOSPHATIDYLINOSITOL BIOSYNTHESIS DEFECT 6. Identifiers: Orphanet 247262, MedGen C3553637, MONDO:0013882, OMIM 614749.

Allele frequency attached by ClinVar (database versions not stated): gnomAD exomes below 0.00001.
gnomAD v4.1: 2 of 1,614,204 alleles (0.00012%); highest among the groups gnomAD compares: Non-Finnish European, 0.00017%; no homozygotes.

Submission:

Labcorp Genetics (formerly Invitae), Labcorp
Classification: Uncertain significance for Hyperphosphatasia with impaired intellectual development syndrome 2. Last evaluated: 2022-03-26. Review status: criteria provided, single submitter. Criteria: Invitae Variant Classification Sherloc (09022015). Collection method: clinical testing. Allele origin: germline.
Comment: In summary, the available evidence is currently insufficient to determine the role of this variant in disease. Therefore, it has been classified as a Variant of Uncertain Significance. Algorithms developed to predict the effect of missense changes on protein structure and function (SIFT, PolyPhen-2, Align-GVGD) all suggest that this variant is likely to be tolerated. This variant has not been reported in the literature in individuals affected with PIGO-related conditions. This variant is not present in population databases (gnomAD no frequency). This sequence change replaces glycine, which is neutral and non-polar, with aspartic acid, which is acidic and polar, at codon 606 of the PIGO protein (p.Gly606Asp).

NM_032634.4(PIGO):c.1817G>A (p.Gly606Asp)

Gene: PIGO (phosphatidylinositol glycan anchor biosynthesis class O; minus strand). Cytogenetic location: 9p13.3.
Variant type: single nucleotide variant.
Coding change: c.1817G>A on transcript NM_032634.4 (MANE Select); coding-DNA position 1817, G replaced by A.
Protein change: p.Gly606Asp; replaces glycine 606 with aspartic acid.
Molecular consequence: missense variant. On other transcripts: intron variant (2).
Genome position (GRCh38, 1-based): chr9:35,092,070, C>T on the plus strand (G>A on the coding strand, the complement: PIGO is on the minus strand). VCF-style: chr9-35092070-C-T. GRCh37 (hg19) VCF-style: chr9-35092067-C-T.
Other names: c.1344+473G>A (NM_152850.4, NM_001201484.2); short protein forms G606D.
Identifiers: ClinVar variation 2117726 (VCV002117726.4), dbSNP rs564994215, ClinGen allele CA192711167.